The following is an entry in ClinVar:

ClinVar aggregate classification (germline): Uncertain significance. Review status: criteria provided, multiple submitters, no conflicts (2 of 4 stars). 4 submissions from 4 submitters: Uncertain significance (4). Last evaluated 2026-07-21.

Conditions:
FAH-related disorder. Also called: FAH-related condition.
Inborn genetic diseases. Identifiers: MedGen C0950123, MeSH D030342.
Tyrosinemia type I (TYRSN1). Also called: Deficiency of fumarylacetoacetase; Tyrosinemia type 1; Fumarylacetoacetase deficiency; FAH DEFICIENCY; HEPATORENAL TYROSINEMIA. Identifiers: Orphanet 882, MedGen C0268490, MONDO:0010161, OMIM 276700. Disease mechanism: loss of function.

Allele frequency attached by ClinVar (database versions not stated): ExAC 0.00005; gnomAD 0.00005; gnomAD exomes 0.00006; TOPMed 0.00013; ESP Exome Variant Server 0.00015.
gnomAD v4.1: 90 of 1,610,054 alleles (0.0056%); highest among the groups gnomAD compares: Admixed American, 0.015%; no homozygotes.

Submissions (4):

PreventionGenetics, part of Exact Sciences
Classification: Uncertain significance for FAH-related condition. Last evaluated: 2026-07-21. Review status: criteria provided, single submitter. Criteria: ACMG Guidelines, 2015. Collection method: clinical testing. Allele origin: germline.
Comment: The FAH c.580A>G variant is predicted to result in the amino acid substitution p.Lys194Glu. To our knowledge, this variant has not been reported in the literature. This variant is reported in 0.0056% of alleles in individuals of Latino descent in gnomAD. At this time, the clinical significance of this variant is uncertain due to the absence of conclusive functional and genetic evidence.

Ambry Genetics
Classification: Uncertain significance for Inborn genetic diseases. Last evaluated: 2025-08-13. Review status: criteria provided, single submitter. Criteria: Ambry Variant Classification Scheme 2023. Collection method: clinical testing. Allele origin: germline.

Fulgent Genetics
Classification: Uncertain significance for Tyrosinemia type I. Last evaluated: 2024-01-08. Review status: criteria provided, single submitter. Criteria: ACMG Guidelines, 2015. Collection method: clinical testing. Allele origin: germline.

Labcorp Genetics (formerly Invitae), Labcorp
Classification: Uncertain significance for Tyrosinemia type I. Last evaluated: 2022-07-30. Review status: criteria provided, single submitter. Criteria: Invitae Variant Classification Sherloc (09022015). Collection method: clinical testing. Allele origin: germline.
Comment: This sequence change replaces lysine, which is basic and polar, with glutamic acid, which is acidic and polar, at codon 194 of the FAH protein (p.Lys194Glu). This variant is present in population databases (rs373302756, gnomAD 0.007%). This variant has not been reported in the literature in individuals affected with FAH-related conditions. Advanced modeling of protein sequence and biophysical properties (such as structural, functional, and spatial information, amino acid conservation, physicochemical variation, residue mobility, and thermodynamic stability) performed at Invitae indicates that this missense variant is not expected to disrupt FAH protein function. In summary, the available evidence is currently insufficient to determine the role of this variant in disease. Therefore, it has been classified as a Variant of Uncertain Significance.

NM_000137.4(FAH):c.580A>G (p.Lys194Glu)

Gene: FAH (fumarylacetoacetate hydrolase; plus strand). Cytogenetic location: 15q25.1.
Variant type: single nucleotide variant.
Coding change: c.580A>G on transcript NM_000137.4 (MANE Select); coding-DNA position 580, A replaced by G.
Protein change: p.Lys194Glu; replaces lysine 194 with glutamic acid.
Molecular consequence: missense variant.
Genome position (GRCh38, 1-based): chr15:80,168,290, A>G. VCF-style: chr15-80168290-A-G. GRCh37 (hg19) VCF-style: chr15-80460632-A-G.
Other names: c.580A>G, p.Lys194Glu (NM_001374377.1, NM_001374380.1); short protein forms K194E.
Identifiers: ClinVar variation 2069294 (VCV002069294.5), dbSNP rs373302756, ClinGen allele CA7691254.